The following is an entry in ClinVar:

NM_005068.3(SIM1):c.977T>C (p.Val326Ala)

Gene: SIM1 (SIM bHLH transcription factor 1; minus strand). Cytogenetic location: 6q16.3.
Variant type: single nucleotide variant.
Coding change: c.977T>C on transcript NM_005068.3 (MANE Select); coding-DNA position 977, T replaced by C.
Protein change: p.Val326Ala; replaces valine 326 with alanine.
Molecular consequence: missense variant.
Genome position (GRCh38, 1-based): chr6:100,447,289, A>G on the plus strand (T>C on the coding strand, the complement: SIM1 is on the minus strand). VCF-style: chr6-100447289-A-G. GRCh37 (hg19) VCF-style: chr6-100895165-A-G.
Other names: c.977T>C, p.Val326Ala (NM_001374769.1); short protein forms V326A.
Identifiers: ClinVar variation 4630917 (VCV004630917.2).

ClinVar aggregate classification (germline): Uncertain significance. Review status: criteria provided, multiple submitters, no conflicts (2 of 4 stars). 2 submissions from 2 submitters: Uncertain significance (2). Last evaluated 2025-10-24.

Conditions:
SIM1-related disorder. Also called: SIM1-related condition; SIM1-related disorders.
Inborn genetic diseases. Identifiers: MedGen C0950123, MeSH D030342.

gnomAD v4.1: 2 of 1,614,088 alleles (0.00012%); highest among the groups gnomAD compares: Admixed American, 0.0017%; no homozygotes.

Submissions (2):

Ambry Genetics
Classification: Uncertain significance for Inborn genetic diseases. Last evaluated: 2025-10-24. Review status: criteria provided, single submitter. Criteria: Ambry Variant Classification Scheme 2023. Collection method: clinical testing. Allele origin: germline.

PreventionGenetics, part of Exact Sciences
Classification: Uncertain significance for SIM1-related condition. Last evaluated: 2024-11-21. Review status: criteria provided, single submitter. Criteria: ACMG Guidelines, 2015. Collection method: clinical testing. Allele origin: germline.
Comment: The SIM1 c.977T>C variant is predicted to result in the amino acid substitution p.Val326Ala. To our knowledge, this variant has not been reported in the literature or in a large population database (gnomAD), indicating this variant is rare. At this time, the clinical significance of this variant is uncertain due to the absence of conclusive functional and genetic evidence.